The following is an entry in ClinVar:

ClinVar aggregate classification (germline): Uncertain significance (1 of 4 stars; one submission).

gnomAD v4.1: 5 of 1,613,490 alleles (0.00031%); highest among the groups gnomAD compares: Non-Finnish European, 0.00042%; no homozygotes.

Submission:

GeneDx
Classification: Uncertain significance. Last evaluated: 2024-03-22. Review status: criteria provided, single submitter. Criteria: GeneDx Variant Classification Process June 2021. Collection method: clinical testing. Allele origin: germline. Affected: yes.
Comment: Not observed at significant frequency in large population cohorts (gnomAD); In silico analysis supports that this missense variant has a deleterious effect on protein structure/function; Has not been previously published as pathogenic or benign to our knowledge

NM_017882.3(CLN6):c.635T>C (p.Leu212Pro)

Gene: CLN6 (CLN6 transmembrane ER protein; minus strand). Cytogenetic location: 15q23.
Variant type: single nucleotide variant.
Coding change: c.635T>C on transcript NM_017882.3 (MANE Select); coding-DNA position 635, T replaced by C.
Protein change: p.Leu212Pro; replaces leucine 212 with proline.
Molecular consequence: missense variant.
Genome position (GRCh38, 1-based): chr15:68,209,667, A>G on the plus strand (T>C on the coding strand, the complement: CLN6 is on the minus strand). VCF-style: chr15-68209667-A-G. GRCh37 (hg19) VCF-style: chr15-68502005-A-G.
Other names: c.731T>C, p.Leu244Pro (NM_001411068.1); short protein forms L212P, L244P.
Identifiers: ClinVar variation 3341047 (VCV003341047.1).